The following is an entry in ClinVar:

ClinVar aggregate classification (germline): Pathogenic (1 of 4 stars; one submission).

Conditions:
Intellectual developmental disorder 61. Also called: INTELLECTUAL DEVELOPMENTAL DISORDER, AUTOSOMAL DOMINANT 61; MENTAL RETARDATION, AUTOSOMAL DOMINANT 61. Identifiers: MedGen C5231400, MONDO:0032485, OMIM 618009.

Submission:

Plataforma de Genómica Funcional - SJD, Institut De Recerca Sant Joan De Déu
Classification: Pathogenic for Intellectual developmental disorder 61. Last evaluated: 2024-12-20. Review status: criteria provided, single submitter. Criteria: ACMG Guidelines, 2015. Collection method: clinical testing. Allele origin: de novo. Inheritance: Autosomal dominant inheritance. Affected: yes. Observed: 1 variant allele, 1 heterozygote.
Comment: The c.2489T>G variant (NM_005121.2) in MED13 is a missense variant predicted to cause an amino acid change substitution of leucine by arginine at position 830 in the protein sequence (p.Leu830Arg). The variant is absent from gnomAD v2.1 (PM2_Supporting). The computational predictor REVEL and CADD unanimously support a deleterious effect on the gene (REVEL score of 0.77, CADD score of 29.3) (PP3_Moderate). Functional studies performed in the patient’s fibroblasts were conducted at the Neurogenetics and Molecular Medicine Laboratory and showed morphological abnormalities in the mitochondrial network, alteration of the mitochondrial membrane potential and mitochondrial oxidative stress, indicating that this variant impacts MED13 protein function (PS3; PMID: 35177962). In summary, this variant meets the criteria to be classified as Pathogenic based on the ACMG/AMP criteria applied.

NM_005121.3(MED13):c.2489T>G (p.Leu830Arg)

Gene: MED13 (mediator complex subunit 13; minus strand). Cytogenetic location: 17q23.2.
Variant type: single nucleotide variant.
Coding change: c.2489T>G on transcript NM_005121.3 (MANE Select); coding-DNA position 2489, T replaced by G.
Protein change: p.Leu830Arg; replaces leucine 830 with arginine.
Molecular consequence: missense variant.
Genome position (GRCh38, 1-based): chr17:61,984,853, A>C on the plus strand (T>G on the coding strand, the complement: MED13 is on the minus strand). VCF-style: chr17-61984853-A-C. GRCh37 (hg19) VCF-style: chr17-60062214-A-C.
Other names: short protein forms L830R.
Identifiers: ClinVar variation 3391180 (VCV003391180.3).